The following is an entry in ClinVar:

ClinVar aggregate classification (germline): Uncertain significance (0 of 4 stars; one submission).

Conditions:
Breast ductal adenocarcinoma. Also called: Ductal breast carcinoma; Breast cancer, invasive ductal. Identifiers: MedGen C1527349, MONDO:0005590.

Submission:

Next Generation Diagnostics, Novartis Institutes for BioMedical Research, Inc.
Classification: Uncertain significance for Breast ductal adenocarcinoma. Last evaluated: 2015-07-20. Review status: no assertion criteria provided. Collection method: research. Allele origin: somatic. Affected: yes.
Comment: Loss of heterozygosity

chr4:88537276..88537405 complex variant

Gene: DSPP (dentin sialophosphoprotein; plus strand). Cytogenetic location: 4q22.1.
Variant type: Complex.
Identifiers: ClinVar variation 221362 (VCV000221362.2).